The following is an entry in ClinVar:

ClinVar aggregate classification (germline): Uncertain significance (1 of 4 stars; one submission).

Submission:

Labcorp Genetics (formerly Invitae), Labcorp
Classification: Uncertain significance. Last evaluated: 2026-01-25. Review status: criteria provided, single submitter. Criteria: Invitae Variant Classification Sherloc (09022015). Collection method: clinical testing. Allele origin: germline.
Comment: This sequence change replaces tyrosine, which is neutral and polar, with cysteine, which is neutral and slightly polar, at codon 1474 of the DCHS1 protein (p.Tyr1474Cys). This variant is not present in population databases (gnomAD no frequency). This variant has not been reported in the literature in individuals affected with DCHS1-related conditions. Invitae Evidence Modeling of protein sequence and biophysical properties (such as structural, functional, and spatial information, amino acid conservation, physicochemical variation, residue mobility, and thermodynamic stability) indicates that this missense variant is not expected to disrupt DCHS1 protein function with a negative predictive value of 80%. In summary, the available evidence is currently insufficient to determine the role of this variant in disease. Therefore, it has been classified as a Variant of Uncertain Significance.

NM_003737.4(DCHS1):c.4421A>G (p.Tyr1474Cys)

Gene: DCHS1 (dachsous cadherin-related 1; minus strand). Cytogenetic location: 11p15.4.
Variant type: single nucleotide variant.
Coding change: c.4421A>G on transcript NM_003737.4 (MANE Select); coding-DNA position 4421, A replaced by G.
Protein change: p.Tyr1474Cys; replaces tyrosine 1474 with cysteine.
Molecular consequence: missense variant.
Genome position (GRCh38, 1-based): chr11:6,630,373, T>C on the plus strand (A>G on the coding strand, the complement: DCHS1 is on the minus strand). VCF-style: chr11-6630373-T-C. GRCh37 (hg19) VCF-style: chr11-6651604-T-C.
Other names: short protein forms Y1474C.
Identifiers: ClinVar variation 4811515 (VCV004811515.1).
Genomic context (GRCh38, chr11:6,630,373, plus strand): 5'-GCCCCGGTGCGCGCGTCCAGGCGAAGCGCCGGCACGGGCGGCTCCTGGCGCAGCAGGCGG[T>C]AGCGCACGTCGCTATTGGGGCCGGGGCCGTCGGCGTCCGACGCGCGGAAAGTGTACAGCG-3'
Protein context (NP_003728.1, residues 1464-1484): DGPGPNSDVR[Tyr1474Cys]RLLRQEPPVP